The following is an entry in ClinVar:

ClinVar aggregate classification (germline): Uncertain significance. Review status: criteria provided, multiple submitters, no conflicts (2 of 4 stars). 2 submissions from 2 submitters: Uncertain significance (2). Last evaluated 2025-08-25.

Conditions:
WNK1-related disorder. Also called: WNK1-related condition.
Neuropathy, hereditary sensory and autonomic, type 2A (HSAN2A). Also called: WNK1-Related HSAN2 (HSAN2A); ACROOSTEOLYSIS, GIACCAI TYPE; ACROOSTEOLYSIS, NEUROGENIC; HSAN IIA; MORVAN DISEASE; NEUROPATHY, CONGENITAL SENSORY. Identifiers: Orphanet 970, MedGen C2752089, MONDO:0024309, OMIM 201300.
Pseudohypoaldosteronism type 2C (PHA2C). Also called: Pseudohypoaldosteronism Type IIC. Identifiers: Orphanet 757, Orphanet 88940, MedGen C1840391, MONDO:0013778, OMIM 614492.

Allele frequency attached by ClinVar (database versions not stated): gnomAD 0.00001; ExAC 0.00002.
gnomAD v4.1: 20 of 1,613,486 alleles (0.0012%); highest among the groups gnomAD compares: South Asian, 0.0044%; no homozygotes.

Submissions (2):

PreventionGenetics, part of Exact Sciences
Classification: Uncertain significance for WNK1-related condition. Last evaluated: 2025-08-25. Review status: criteria provided, single submitter. Criteria: ACMG Guidelines, 2015. Collection method: clinical testing. Allele origin: germline.
Comment: The WNK1 c.4576G>A variant is predicted to result in the amino acid substitution p.Ala1526Thr. To our knowledge, this variant has not been reported in the literature. This variant is reported in 0.0065% of alleles in individuals of South Asian descent in gnomAD. At this time, the clinical significance of this variant is uncertain due to the absence of conclusive functional and genetic evidence.

Labcorp Genetics (formerly Invitae), Labcorp
Classification: Uncertain significance for Neuropathy, hereditary sensory and autonomic, type 2A; Pseudohypoaldosteronism type 2C. Last evaluated: 2024-09-10. Review status: criteria provided, single submitter. Criteria: Invitae Variant Classification Sherloc (09022015). Collection method: clinical testing. Allele origin: germline.
Comment: This sequence change replaces alanine, which is neutral and non-polar, with threonine, which is neutral and polar, at codon 1778 of the WNK1 protein (p.Ala1778Thr). This variant is present in population databases (rs772706007, gnomAD 0.006%). This variant has not been reported in the literature in individuals affected with WNK1-related conditions. ClinVar contains an entry for this variant (Variation ID: 2193644). Invitae Evidence Modeling of protein sequence and biophysical properties (such as structural, functional, and spatial information, amino acid conservation, physicochemical variation, residue mobility, and thermodynamic stability) indicates that this missense variant is not expected to disrupt WNK1 protein function with a negative predictive value of 95%. In summary, the available evidence is currently insufficient to determine the role of this variant in disease. Therefore, it has been classified as a Variant of Uncertain Significance.

NM_018979.4(WNK1):c.4576G>A (p.Ala1526Thr)

Gene: WNK1 (WNK lysine deficient protein kinase 1; plus strand). Cytogenetic location: 12p13.33.
Variant type: single nucleotide variant.
Coding change: c.4576G>A on transcript NM_018979.4 (MANE Select); coding-DNA position 4576, G replaced by A.
Protein change: p.Ala1526Thr; replaces alanine 1526 with threonine.
Molecular consequence: missense variant.
Genome position (GRCh38, 1-based): chr12:885,380, G>A. VCF-style: chr12-885380-G-A. GRCh37 (hg19) VCF-style: chr12-994546-G-A.
Other names: c.5356G>A, p.Ala1786Thr (NM_001184985.2); c.3835G>A, p.Ala1279Thr (NM_014823.3); c.5332G>A, p.Ala1778Thr (NM_213655.5); c.4576G>A (NM_018979.3); short protein forms A1778T, A1786T, A1279T, A1526T.
Identifiers: ClinVar variation 2193644 (VCV002193644.6), dbSNP rs772706007, ClinGen allele CA6382998.